The following is an entry in ClinVar:

ClinVar aggregate classification (germline): Uncertain significance (1 of 4 stars; one submission).

Conditions:
PSEN1-related disorder. Also called: PSEN1-related condition.

Submission:

PreventionGenetics, part of Exact Sciences
Classification: Uncertain significance for PSEN1-related condition. Last evaluated: 2025-06-25. Review status: criteria provided, single submitter. Criteria: ACMG Guidelines, 2015. Collection method: clinical testing. Allele origin: germline.
Comment: The PSEN1 c.253C>T variant is predicted to result in the amino acid substitution p.Leu85Phe. This variant was reported in an individual with Alzheimer disease, early-onset (Bartoletti-Stella et al. 2022. PubMed ID: 36133075). Of note, another missense variant affecting the same amino acid (p.Leu85Pro) has been reported to be pathogenic with Alzheimer disease (Nelson et al. 2010. PubMed ID: 20634584; ClinVar Variation ID: 18153). This variant has not been reported in a large population database (gnomAD), indicating this variant is rare. Although we suspect that this variant may be pathogenic, at this time, the clinical significance of this variant is uncertain due to the absence of conclusive functional and genetic evidence.

NM_000021.4(PSEN1):c.253C>T (p.Leu85Phe)

Gene: PSEN1 (presenilin 1; plus strand). Cytogenetic location: 14q24.2.
Variant type: single nucleotide variant.
Coding change: c.253C>T on transcript NM_000021.4 (MANE Select); coding-DNA position 253, C replaced by T.
Protein change: p.Leu85Phe; replaces leucine 85 with phenylalanine.
Molecular consequence: missense variant.
Genome position (GRCh38, 1-based): chr14:73,170,962, C>T. VCF-style: chr14-73170962-C-T. GRCh37 (hg19) VCF-style: chr14-73637670-C-T.
Other names: c.241C>T, p.Leu81Phe (NM_007318.3); short protein forms L85F, L81F.
Identifiers: ClinVar variation 5001735 (VCV005001735.1).